The following is an entry in ClinVar:

ClinVar aggregate classification (germline): Uncertain significance (1 of 4 stars; one submission).

Submission:

Ambry Genetics
Classification: Uncertain significance. Last evaluated: 2024-07-11. Review status: criteria provided, single submitter. Criteria: Ambry Variant Classification Scheme 2023. Collection method: clinical testing. Allele origin: germline.
Comment: The p.R557T variant (also known as c.1670G>C), located in coding exon 17 of the SLMAP gene, results from a G to C substitution at nucleotide position 1670. The arginine at codon 557 is replaced by threonine, an amino acid with similar properties. This amino acid position is conserved. In addition, this alteration is predicted to be tolerated by in silico analysis. Based on the available evidence, the clinical significance of this variant remains unclear.

NM_001377540.1(SLMAP):c.1772G>C (p.Arg591Thr)

Gene: SLMAP (sarcolemma associated protein; plus strand). Cytogenetic location: 3p14.3.
Variant type: single nucleotide variant.
Coding change: c.1772G>C on transcript NM_001377540.1 (MANE Select); coding-DNA position 1772, G replaced by C.
Protein change: p.Arg591Thr; replaces arginine 591 with threonine.
Molecular consequence: missense variant. On other transcripts: non-coding transcript variant (1).
Genome position (GRCh38, 1-based): chr3:57,912,453, G>C. VCF-style: chr3-57912453-G-C. GRCh37 (hg19) VCF-style: chr3-57898180-G-C.
Other names: c.1721G>C, p.Arg574Thr (NM_001304420.3, NM_001377541.1, NM_001377542.1); c.1607G>C, p.Arg536Thr (NM_001304421.2, NM_001377557.1, NM_001377559.1); c.323G>C, p.Arg108Thr (NM_001304422.3, NM_001311178.2); c.125G>C, p.Arg42Thr (NM_001304423.3); c.200G>C, p.Arg67Thr (NM_001311179.2, NM_001377926.1, NM_001377927.1 and 1 more transcripts); c.1793G>C, p.Arg598Thr (NM_001377538.1); c.1772G>C, p.Arg591Thr (NM_001377539.1); c.1709G>C, p.Arg570Thr (NM_001377545.1); and 8 more; short protein forms R42T, R533T, R553T, R67T, R495T, R598T, R516T, R536T.
Identifiers: ClinVar variation 3445697 (VCV003445697.1).